The following is an entry in ClinVar:

ClinVar aggregate classification (germline): Likely benign (1 of 4 stars; one submission).

Submission:

CeGaT Center for Human Genetics Tuebingen
Classification: Likely benign. Last evaluated: 2026-09-01. Review status: criteria provided, single submitter. Criteria: CeGaT Center For Human Genetics Tuebingen Variant Classification Criteria Version 2. Collection method: clinical testing. Allele origin: germline. Affected: yes. Observed: 2 variant alleles.
Comment: RAC3: BP4, BP7

NM_005052.3(RAC3):c.204G>A (p.Arg68=)

Gene: RAC3 (Rac family small GTPase 3; plus strand). Cytogenetic location: 17q25.3.
Variant type: single nucleotide variant.
Coding change: c.204G>A on transcript NM_005052.3 (MANE Select); coding-DNA position 204, G replaced by A.
Protein change: p.Arg68=; no amino-acid change (arginine 68 retained).
Molecular consequence: synonymous variant.
Genome position (GRCh38, 1-based): chr17:82,032,807, G>A. VCF-style: chr17-82032807-G-A. GRCh37 (hg19) VCF-style: chr17-79990683-G-A.
Other names: c.204G>A, p.Arg68= (NM_001316307.2).
Identifiers: ClinVar variation 5039001 (VCV005039001.1).